The following is an entry in ClinVar:

NM_000343.4(SLC5A1):c.722C>T (p.Pro241Leu)

Gene: SLC5A1 (solute carrier family 5 member 1; plus strand). Cytogenetic location: 22q12.3.
Variant type: single nucleotide variant.
Coding change: c.722C>T on transcript NM_000343.4 (MANE Select); coding-DNA position 722, C replaced by T.
Protein change: p.Pro241Leu; replaces proline 241 with leucine.
Molecular consequence: missense variant.
Genome position (GRCh38, 1-based): chr22:32,084,496, C>T. VCF-style: chr22-32084496-C-T. GRCh37 (hg19) VCF-style: chr22-32480483-C-T.
Other names: c.341C>T, p.Pro114Leu (NM_001256314.2); short protein forms P241L, P114L.
Identifiers: ClinVar variation 3165188 (VCV003165188.2), dbSNP rs1243512567, ClinGen allele CA411303382.
Genomic context (GRCh38, chr22:32,084,496, plus strand): 5'-CAGCTTTTCACGAAGTGGGAGGCTATGACGCCTTCATGGAAAAGTACATGAAAGCCATTC[C>T]AACCATAGTGTCTGATGGCAACACCACCTTTCAGGAAAAATGCTACACTCCAAGGGCCGA-3'
Protein context (NP_000334.1, residues 231-251): AFMEKYMKAI[Pro241Leu]TIVSDGNTTF

ClinVar aggregate classification (germline): Uncertain significance. Review status: criteria provided, multiple submitters, no conflicts (2 of 4 stars). 2 submissions from 2 submitters: Uncertain significance (2). Last evaluated 2024-06-22.

Conditions:
Inborn genetic diseases. Identifiers: MedGen C0950123, MeSH D030342.
Congenital glucose-galactose malabsorption (GGM). Also called: MONOSACCHARIDE MALABSORPTION; DIARRHEA 16. Identifiers: Orphanet 35710, MedGen C0268186, MONDO:0011731, OMIM 606824.

Allele frequency attached by ClinVar (database versions not stated): gnomAD exomes below 0.00001; gnomAD 0.00001; TOPMed 0.00001.
gnomAD v4.1: 2 of 1,614,112 alleles (0.00012%); highest among the groups gnomAD compares: Non-Finnish European, 0.00017%; no homozygotes.

Submissions (2):

3billion
Classification: Uncertain significance for Congenital glucose-galactose malabsorption. Last evaluated: 2024-06-22. Review status: criteria provided, single submitter. Criteria: ACMG Guidelines, 2015. Collection method: clinical testing. Allele origin: germline. Affected: yes.
Comment: The variant is observed at an extremely low frequency in the gnomAD v4.0.0 dataset (total allele frequency: <0.001%). Predicted Consequence/Location: Missense variant In silico tool predictions suggest damaging effect of the variant on gene or gene product [REVEL: 0.76 (>=0.6, sensitivity 0.68 and specificity 0.92)]. Therefore, this variant is classified as VUS according to the recommendation of ACMG/AMP guideline.

Ambry Genetics
Classification: Uncertain significance for Inborn genetic diseases. Last evaluated: 2023-10-05. Review status: criteria provided, single submitter. Criteria: Ambry Variant Classification Scheme 2023. Collection method: clinical testing. Allele origin: germline.